The following is an entry in ClinVar:

NM_001190274.2(FBXO11):c.814A>G (p.Ile272Val)

Gene: FBXO11 (F-box protein 11; minus strand). Cytogenetic location: 2p16.3.
Variant type: single nucleotide variant.
Coding change: c.814A>G on transcript NM_001190274.2 (MANE Select); coding-DNA position 814, A replaced by G.
Protein change: p.Ile272Val; replaces isoleucine 272 with valine.
Molecular consequence: missense variant.
Genome position (GRCh38, 1-based): chr2:47,834,699, T>C on the plus strand (A>G on the coding strand, the complement: FBXO11 is on the minus strand). VCF-style: chr2-47834699-T-C. GRCh37 (hg19) VCF-style: chr2-48061838-T-C.
Other names: c.562A>G, p.Ile188Val (NM_001374325.1, NM_025133.4); short protein forms I272V, I188V.
Identifiers: ClinVar variation 1436180 (VCV001436180.8), dbSNP rs764677147, ClinGen allele CA1650007.

ClinVar aggregate classification (germline): Uncertain significance (1 of 4 stars; one submission).

Allele frequency attached by ClinVar (database versions not stated): TOPMed below 0.00001; ExAC 0.00001; gnomAD 0.00001; gnomAD exomes 0.00001 and 0.00002.
gnomAD v4.1: 19 of 1,610,362 alleles (0.0012%); highest among the groups gnomAD compares: East Asian, 0.027%; no homozygotes.

Submission:

Labcorp Genetics (formerly Invitae), Labcorp
Classification: Uncertain significance. Last evaluated: 2024-02-24. Review status: criteria provided, single submitter. Criteria: Invitae Variant Classification Sherloc (09022015). Collection method: clinical testing. Allele origin: germline.
Comment: This sequence change replaces isoleucine, which is neutral and non-polar, with valine, which is neutral and non-polar, at codon 272 of the FBXO11 protein (p.Ile272Val). This variant is present in population databases (rs764677147, gnomAD 0.03%). This variant has not been reported in the literature in individuals affected with FBXO11-related conditions. ClinVar contains an entry for this variant (Variation ID: 1436180). An algorithm developed to predict the effect of missense changes on protein structure and function (PolyPhen-2) suggests that this variant is likely to be disruptive. In summary, the available evidence is currently insufficient to determine the role of this variant in disease. Therefore, it has been classified as a Variant of Uncertain Significance.